The following is an entry in ClinVar:

NM_004168.4(SDHA):c.959A>G (p.Asn320Ser)

Gene: SDHA (succinate dehydrogenase complex flavoprotein subunit A; plus strand). Cytogenetic location: 5p15.33.
Variant type: single nucleotide variant.
Coding change: c.959A>G on transcript NM_004168.4 (MANE Select); coding-DNA position 959, A replaced by G.
Protein change: p.Asn320Ser; replaces asparagine 320 with serine.
Molecular consequence: missense variant.
Genome position (GRCh38, 1-based): chr5:233,540, A>G. VCF-style: chr5-233540-A-G. GRCh37 (hg19) VCF-style: chr5-233655-A-G.
Other names: c.815A>G, p.Asn272Ser (NM_001294332.2); c.959A>G, p.Asn320Ser (NM_001330758.2); short protein forms N272S, N320S.
Identifiers: ClinVar variation 823346 (VCV000823346.15), dbSNP rs765092091, ClinGen allele CA3173044.
Genomic context (GRCh38, chr5:233,540, plus strand): 5'-TATATGGTGCTGGTTGTCTCATTACGGAAGGATGTCGTGGAGAGGGAGGCATTCTCATTA[A>G]CAGTCAAGGCGAAAGGTTTATGGAGCGATACGCCCCTGTCGCGAAGGACCTGGCGTCTAG-3'
Protein context (NP_004159.2, residues 310-330): GCRGEGGILI[Asn320Ser]SQGERFMERY

ClinVar aggregate classification (germline): Uncertain significance. Review status: criteria provided, multiple submitters, no conflicts (2 of 4 stars). 2 submissions from 2 submitters: Uncertain significance (2). Last evaluated 2026-01-27.

Conditions:
Hereditary cancer-predisposing syndrome. Also called: Tumor predisposition; Hereditary neoplastic syndrome; Neoplastic Syndromes, Hereditary; Hereditary Cancer Syndrome. Identifiers: Orphanet 140162, MedGen C0027672, MeSH D009386, MONDO:0015356.
Pheochromocytoma/paraganglioma syndrome 5. Also called: Paragangliomas 5; SDHA-Related Hereditary Paraganglioma-Pheochromocytoma Syndrome. Identifiers: Orphanet 29072, MedGen C3279992, MONDO:0013602, OMIM 614165.
Mitochondrial complex II deficiency, nuclear type 1. Also called: SUCCINATE CoQ REDUCTASE DEFICIENCY. Identifiers: Orphanet 3208, MedGen C5700310, MONDO:0100294, OMIM 252011.

Allele frequency attached by ClinVar (database versions not stated): ExAC 0.00001.

Submissions (2):

Labcorp Genetics (formerly Invitae), Labcorp
Classification: Uncertain significance for Pheochromocytoma/paraganglioma syndrome 5; Mitochondrial complex II deficiency, nuclear type 1. Last evaluated: 2026-01-27. Review status: criteria provided, single submitter. Criteria: Invitae Variant Classification Sherloc (09022015). Collection method: clinical testing. Allele origin: germline.
Comment: This sequence change replaces asparagine, which is neutral and polar, with serine, which is neutral and polar, at codon 320 of the SDHA protein (p.Asn320Ser). This variant is present in population databases (rs765092091, gnomAD 0.0009%). This variant has not been reported in the literature in individuals affected with SDHA-related conditions. ClinVar contains an entry for this variant (Variation ID: 823346). Invitae Evidence Modeling of protein sequence and biophysical properties (such as structural, functional, and spatial information, amino acid conservation, physicochemical variation, residue mobility, and thermodynamic stability) has been performed for this missense variant. However, the output from this modeling did not meet the statistical confidence thresholds required to predict the impact of this variant on SDHA protein function. In summary, the available evidence is currently insufficient to determine the role of this variant in disease. Therefore, it has been classified as a Variant of Uncertain Significance.

Ambry Genetics
Classification: Uncertain significance for Hereditary cancer-predisposing syndrome. Last evaluated: 2025-03-18. Review status: criteria provided, single submitter. Criteria: Ambry Variant Classification Scheme 2023. Collection method: clinical testing. Allele origin: germline.
Comment: The p.N320S variant (also known as c.959A>G), located in coding exon 8 of the SDHA gene, results from an A to G substitution at nucleotide position 959. The asparagine at codon 320 is replaced by serine, an amino acid with highly similar properties. This amino acid position is highly conserved in available vertebrate species. In addition, this alteration is predicted to be tolerated by in silico analysis. Since supporting evidence is limited at this time, the clinical significance of this alteration remains unclear.